The following is an entry in ClinVar:

ClinVar aggregate classification (germline): Benign. Review status: criteria provided, multiple submitters, no conflicts (2 of 4 stars). 2 submissions from 2 submitters: Benign (2). Last evaluated 2023-11-12.

Submissions (2):

Unidad de Genómica Garrahan, Hospital de Pediatría Garrahan
Classification: Benign. Last evaluated: 2023-11-12. Review status: criteria provided, single submitter. Criteria: ACMG Guidelines, 2015. Collection method: clinical testing. Allele origin: germline. Affected: no. Observed: 23 variant alleles.
Comment: This variant is classified as Benign based on local population frequency. This variant was detected in 24% of patients studied by a panel of primary immunodeficiencies. Number of patients: 23. Only high quality variants are reported.

GeneDx
Classification: Benign. Last evaluated: 2021-05-13. Review status: criteria provided, single submitter. Criteria: GeneDx Variant Classification Process June 2021. Collection method: clinical testing. Allele origin: germline. Affected: yes.

NM_001199138.2(NLRC4):c.2783-41_2783-38del

Gene: NLRC4 (NLR family CARD domain containing 4; minus strand). Cytogenetic location: 2p22.3.
Variant type: Deletion.
Coding change: c.2783-41_2783-38del on transcript NM_001199138.2 (MANE Select); 41 bases into the intron before coding-DNA position 2783 through 38 bases into the intron before coding-DNA position 2783, 4 bases deleted (AAAA; older notation c.2783-41_2783-38delAAAA).
Molecular consequence: intron variant.
Genome position (GRCh38, 1-based): chr2:32,224,803-32,224,806, TTTT deleted on the plus strand (AAAA on the coding strand, the reverse complement: NLRC4 is on the minus strand); deleting any 4 consecutive bases within chr2:32,224,803-32,224,810 gives the same sequence; the c. name uses the placement nearest the transcript's 3' end. VCF-style (leftmost placement, unchanged base first): chr2-32224802-ATTTT-A. GRCh37 (hg19) VCF-style: chr2-32449871-ATTTT-A.
Other names: c.788-41_788-38del (NM_001302504.1); c.2783-41_2783-38del (NM_021209.4, NM_001199139.1).
Identifiers: ClinVar variation 1234094 (VCV001234094.5), dbSNP rs3832075, ClinGen allele CA1601680.